The following is an entry in ClinVar:

ClinVar aggregate classification (germline): Conflicting classifications of pathogenicity. Review status: criteria provided, conflicting classifications (1 of 4 stars). 2 submissions from 2 submitters: Uncertain significance (1); Likely benign (1). Last evaluated 2026-01-12.

Conditions:
Focal segmental glomerulosclerosis 5 (FSGS5). Identifiers: Orphanet 656, MedGen C2750475, MONDO:0013191, OMIM 613237.
Charcot-Marie-Tooth disease dominant intermediate E. Also called: CHARCOT-MARIE-TOOTH NEUROPATHY WITH FOCAL SEGMENTAL GLOMERULONEPHRITIS. Identifiers: Orphanet 93114, MedGen C4302667, MONDO:0013758, OMIM 614455.
Inborn genetic diseases. Identifiers: MedGen C0950123, MeSH D030342.

Allele frequency attached by ClinVar (database versions not stated): gnomAD 0.00001; TOPMed 0.00003; ExAC 0.00009.
gnomAD v4.1: 28 of 1,555,376 alleles (0.0018%); highest among the groups gnomAD compares: East Asian, 0.0048%; no homozygotes.

Submissions (2):

Labcorp Genetics (formerly Invitae), Labcorp
Classification: Likely benign for Charcot-Marie-Tooth disease dominant intermediate E; Focal segmental glomerulosclerosis 5. Last evaluated: 2026-01-12. Review status: criteria provided, single submitter. Criteria: Invitae Variant Classification Sherloc (09022015). Collection method: clinical testing. Allele origin: germline.

Ambry Genetics
Classification: Uncertain significance for Inborn genetic diseases. Last evaluated: 2022-04-08. Review status: criteria provided, single submitter. Criteria: Ambry Variant Classification Scheme 2023. Collection method: clinical testing. Allele origin: germline.
Comment: The p.R930Q variant (also known as c.2789G>A), located in coding exon 18 of the INF2 gene, results from a G to A substitution at nucleotide position 2789. The arginine at codon 930 is replaced by glutamine, an amino acid with highly similar properties. This amino acid position is conserved. In addition, this alteration is predicted to be tolerated by in silico analysis. Since supporting evidence is limited at this time, the clinical significance of this alteration remains unclear.

NM_022489.4(INF2):c.2789G>A (p.Arg930Gln)

Gene: INF2 (inverted formin 2; plus strand). Cytogenetic location: 14q32.33.
Variant type: single nucleotide variant.
Coding change: c.2789G>A on transcript NM_022489.4 (MANE Select); coding-DNA position 2789, G replaced by A.
Protein change: p.Arg930Gln; replaces arginine 930 with glutamine.
Molecular consequence: missense variant.
Genome position (GRCh38, 1-based): chr14:104,713,220, G>A. VCF-style: chr14-104713220-G-A. GRCh37 (hg19) VCF-style: chr14-105179557-G-A.
Other names: c.2789G>A, p.Arg930Gln (NM_001031714.4); short protein forms R930Q.
Identifiers: ClinVar variation 1796010 (VCV001796010.4), dbSNP rs752180110, ClinGen allele CA7373089.
Genomic context (GRCh38, chr14:104,713,220, plus strand): 5'-CTGAGGGATGCCACGCTGGGGTGACGGGGCCACATCTGCCAGTGCAGGAGAACAAGGACC[G>A]GAAGGAGCAGGCGGCGAAGGCAGAGAGGAGGAAGCAGCAGCTGGCGGAGGAGGAGGCGCG-3'
Protein context (NP_071934.3, residues 920-940): FLRALKENKD[Arg930Gln]KEQAAKAERR